The following is an entry in ClinVar:

ClinVar aggregate classification (germline): Benign/Likely benign. Review status: criteria provided, multiple submitters, no conflicts (2 of 4 stars). 4 submissions from 4 submitters: Benign (2); Likely benign (2). Last evaluated 2025-11-10.

Conditions:
Mitochondrial complex II deficiency, nuclear type 1. Also called: SUCCINATE CoQ REDUCTASE DEFICIENCY. Identifiers: Orphanet 3208, MedGen C5700310, MONDO:0100294, OMIM 252011.
Pheochromocytoma/paraganglioma syndrome 5. Also called: SDHA-Related Hereditary Paraganglioma-Pheochromocytoma Syndrome; Paragangliomas 5. Identifiers: Orphanet 29072, MedGen C3279992, MONDO:0013602, OMIM 614165.
Hereditary cancer-predisposing syndrome. Also called: Neoplastic Syndromes, Hereditary; Hereditary Cancer Syndrome; Tumor predisposition; Hereditary neoplastic syndrome. Identifiers: Orphanet 140162, MedGen C0027672, MeSH D009386, MONDO:0015356.

Allele frequency attached by ClinVar (database versions not stated): gnomAD below 0.00001 and 0.00003; gnomAD exomes 0.00007; ExAC 0.00008; 1000 Genomes Project 30x 0.00031; 1000 Genomes Project 0.00040.
gnomAD v4.1: 53 of 1,614,046 alleles (0.0033%); highest among the groups gnomAD compares: South Asian, 0.052%; no homozygotes.

Submissions (4):

Labcorp Genetics (formerly Invitae), Labcorp
Classification: Likely benign for Pheochromocytoma/paraganglioma syndrome 5; Mitochondrial complex II deficiency, nuclear type 1. Last evaluated: 2025-11-10. Review status: criteria provided, single submitter. Criteria: Invitae Variant Classification Sherloc (09022015). Collection method: clinical testing. Allele origin: germline.

Myriad Genetics, Inc.
Classification: Benign for Pheochromocytoma/paraganglioma syndrome 5. Last evaluated: 2025-03-10. Review status: criteria provided, single submitter. Criteria: Myriad Autosomal Dominant, Autosomal Recessive and X-Linked Classification Criteria (2023). Collection method: clinical testing. Allele origin: unknown.
Comment: This variant is considered benign. This variant is a silent/synonymous amino acid change and it is not expected to impact splicing.

Sema4
Classification: Benign for Hereditary cancer-predisposing syndrome. Last evaluated: 2020-12-04. Review status: criteria provided, single submitter. Criteria: Sema4 Curation Guidelines. Collection method: curation. Allele origin: germline.

Ambry Genetics
Classification: Likely benign for Hereditary cancer-predisposing syndrome. Last evaluated: 2015-08-27. Review status: criteria provided, single submitter. Criteria: Ambry Variant Classification Scheme 2023. Collection method: clinical testing. Allele origin: germline.

NM_004168.4(SDHA):c.1344T>C (p.Gly448=)

Gene: SDHA (succinate dehydrogenase complex flavoprotein subunit A; plus strand). Cytogenetic location: 5p15.33.
Variant type: single nucleotide variant.
Coding change: c.1344T>C on transcript NM_004168.4 (MANE Select); coding-DNA position 1344, T replaced by C.
Protein change: p.Gly448=; no amino-acid change (glycine 448 retained).
Molecular consequence: synonymous variant.
Genome position (GRCh38, 1-based): chr5:236,511, T>C. VCF-style: chr5-236511-T-C. GRCh37 (hg19) VCF-style: chr5-236626-T-C.
Other names: c.1200T>C, p.Gly400= (NM_001294332.2); c.1344T>C, p.Gly448= (NM_001330758.2).
Identifiers: ClinVar variation 417254 (VCV000417254.18), dbSNP rs551497992, ClinGen allele CA3173200.